The following is an entry in ClinVar:

ClinVar aggregate classification (germline): Uncertain significance (1 of 4 stars; one submission).

Conditions:
Inborn genetic diseases. Identifiers: MedGen C0950123, MeSH D030342.

Allele frequency attached by ClinVar (database versions not stated): gnomAD exomes below 0.00001.
gnomAD v4.1: 7 of 1,614,072 alleles (0.00043%); highest among the groups gnomAD compares: East Asian, 0.0045%; no homozygotes.

Submission:

Ambry Genetics
Classification: Uncertain significance for Inborn genetic diseases. Last evaluated: 2023-04-11. Review status: criteria provided, single submitter. Criteria: Ambry Variant Classification Scheme 2023. Collection method: clinical testing. Allele origin: germline.
Comment: The c.4450C>T (p.H1484Y) alteration is located in exon 28 (coding exon 28) of the FN1 gene. This alteration results from a C to T substitution at nucleotide position 4450, causing the histidine (H) at amino acid position 1484 to be replaced by a tyrosine (Y). This variant was not reported in population-based cohorts in the Genome Aggregation Database (gnomAD). This amino acid position is not well conserved in available vertebrate species. This alteration is predicted to be tolerated by in silico analysis. Based on insufficient or conflicting evidence, the clinical significance of this alteration remains unclear.

NM_212482.4(FN1):c.4450C>T (p.His1484Tyr)

Gene: FN1 (fibronectin 1; minus strand). Cytogenetic location: 2q35.
Variant type: single nucleotide variant.
Coding change: c.4450C>T on transcript NM_212482.4 (MANE Select); coding-DNA position 4450, C replaced by T.
Protein change: p.His1484Tyr; replaces histidine 1484 with tyrosine.
Molecular consequence: missense variant.
Genome position (GRCh38, 1-based): chr2:215,386,851, G>A on the plus strand (C>T on the coding strand, the complement: FN1 is on the minus strand). VCF-style: chr2-215386851-G-A. GRCh37 (hg19) VCF-style: chr2-216251574-G-A.
Other names: c.4450C>T, p.His1484Tyr (NM_001306129.2, NM_001306130.2, NM_001365517.2 and 3 more transcripts); c.4177C>T, p.His1393Tyr (NM_001306131.2, NM_001306132.2, NM_001365518.2 and 7 more transcripts); short protein forms H1484Y, H1393Y.
Identifiers: ClinVar variation 2491940 (VCV002491940.3), dbSNP rs2469657336, ClinGen allele CA350481690.